The following is an entry in ClinVar:

NM_001148.6(ANK2):c.6458T>C (p.Phe2153Ser)

Gene: ANK2 (ankyrin 2; plus strand). Cytogenetic location: 4q26.
Variant type: single nucleotide variant.
Coding change: c.6458T>C on transcript NM_001148.6 (MANE Select); coding-DNA position 6458, T replaced by C.
Protein change: p.Phe2153Ser; replaces phenylalanine 2153 with serine.
Molecular consequence: missense variant. On other transcripts: intron variant (68).
Genome position (GRCh38, 1-based): chr4:113,355,076, T>C. VCF-style: chr4-113355076-T-C. GRCh37 (hg19) VCF-style: chr4-114276232-T-C.
Other names: c.6224T>C, p.Phe2075Ser (NM_001386142.1); c.2858T>C, p.Phe953Ser (NM_001386166.1); c.6599T>C, p.Phe2200Ser (NM_001386174.1); c.6575T>C, p.Phe2192Ser (NM_001386175.1); c.4411+4827T>C (NM_001386186.2, NM_001386148.2); c.4213+4827T>C (NM_001354269.3); c.4291+4827T>C (NM_001386187.2); c.4252+4827T>C (NM_001386147.1); and 35 more; short protein forms F2192S, F2153S, F2200S, F2075S, F953S.
Identifiers: ClinVar variation 4051285 (VCV004051285.1).

ClinVar aggregate classification (germline): Uncertain significance (1 of 4 stars; one submission).

Conditions:
Cardiovascular phenotype. Identifiers: MedGen CN230736.

gnomAD v4.1: 5 of 1,614,044 alleles (0.00031%); highest among the groups gnomAD compares: Non-Finnish European, 0.00025%; no homozygotes.

Submission:

Ambry Genetics
Classification: Uncertain significance for Cardiovascular phenotype. Last evaluated: 2025-05-26. Review status: criteria provided, single submitter. Criteria: Ambry Variant Classification Scheme 2023. Collection method: clinical testing. Allele origin: germline.
Comment: The p.F2153S variant (also known as c.6458T>C), located in coding exon 38 of the ANK2 gene, results from a T to C substitution at nucleotide position 6458. The phenylalanine at codon 2153 is replaced by serine, an amino acid with highly dissimilar properties. This amino acid position is conserved. In addition, this alteration is predicted to be deleterious by in silico analysis. Based on the available evidence, the clinical significance of this variant remains unclear.